The following is an entry in ClinVar:

ClinVar aggregate classification (germline): Benign. Review status: criteria provided, multiple submitters, no conflicts (2 of 4 stars). 3 submissions from 3 submitters: Benign (2). 1 of the submissions does not count toward it. Last evaluated 2026-01-19.

Conditions:
ZBTB20-related disorder. Also called: ZBTB20-related condition.

Allele frequency attached by ClinVar (database versions not stated): gnomAD exomes 0.00014 and 0.00038; ExAC 0.00062; gnomAD 0.00147 and 0.00163; ESP Exome Variant Server 0.00154; TOPMed 0.00174; 1000 Genomes Project 0.00180; 1000 Genomes Project 30x 0.00187.
gnomAD v4.1: 446 of 1,613,960 alleles (0.028%); highest among the groups gnomAD compares: African/African-American, 0.51%; 1 homozygote.

Submissions (3):

Labcorp Genetics (formerly Invitae), Labcorp
Classification: Benign. Last evaluated: 2026-01-19. Review status: criteria provided, single submitter. Criteria: Invitae Variant Classification Sherloc (09022015). Collection method: clinical testing. Allele origin: germline.

Genetic Services Laboratory, University of Chicago
Classification: Benign. Last evaluated: 2019-02-27. Review status: criteria provided, single submitter. Criteria: ACMG Guidelines, 2015. Collection method: clinical testing. Allele origin: germline. Affected: no.

PreventionGenetics, part of Exact Sciences
Classification: Likely benign for ZBTB20-related condition. Last evaluated: 2021-03-15. Review status: no assertion criteria provided. Collection method: clinical testing. Allele origin: germline. Not counted in ClinVar's aggregate classification.
Comment: This variant is classified as likely benign based on ACMG/AMP sequence variant interpretation guidelines (Richards et al. 2015 PMID: 25741868, with internal and published modifications).

NM_001348800.3(ZBTB20):c.2078C>T (p.Ala693Val)

Gene: ZBTB20 (zinc finger and BTB domain containing 20; minus strand). Cytogenetic location: 3q13.31.
Variant type: single nucleotide variant.
Coding change: c.2078C>T on transcript NM_001348800.3 (MANE Select); coding-DNA position 2078, C replaced by T.
Protein change: p.Ala693Val; replaces alanine 693 with valine.
Molecular consequence: missense variant. On other transcripts: non-coding transcript variant (1).
Genome position (GRCh38, 1-based): chr3:114,339,153, G>A on the plus strand (C>T on the coding strand, the complement: ZBTB20 is on the minus strand). VCF-style: chr3-114339153-G-A. GRCh37 (hg19) VCF-style: chr3-114058000-G-A.
Other names: c.2078C>T, p.Ala693Val (NM_001164342.2, NM_001348803.3, NM_001393393.1 and 1 more transcripts); c.1859C>T, p.Ala620Val (NM_001164343.2, NM_001164344.4, NM_001164345.4 and 9 more transcripts); short protein forms A693V, A620V.
Identifiers: ClinVar variation 724726 (VCV000724726.15), dbSNP rs150974347, ClinGen allele CA2551218.